The following is an entry in ClinVar:

NM_133443.4(GPT2):c.418C>A (p.Gln140Lys)

Gene: GPT2 (glutamic--pyruvic transaminase 2; plus strand). Cytogenetic location: 16q11.2.
Variant type: single nucleotide variant.
Coding change: c.418C>A on transcript NM_133443.4 (MANE Select); coding-DNA position 418, C replaced by A.
Protein change: p.Gln140Lys; replaces glutamine 140 with lysine.
Molecular consequence: missense variant.
Genome position (GRCh38, 1-based): chr16:46,900,766, C>A. VCF-style: chr16-46900766-C-A. GRCh37 (hg19) VCF-style: chr16-46934678-C-A.
Other names: c.118C>A, p.Gln40Lys (NM_001142466.3); c.418C>A (NM_133443.2); short protein forms Q140K, Q40K.
Identifiers: ClinVar variation 3039119 (VCV003039119.3), dbSNP rs148800227, ClinGen allele CA8038590.
Genomic context (GRCh38, chr16:46,900,766, plus strand): 5'-AACCTGCTGGACAGCCCCAGCTTCCCAGAAGATGCTAAGAAACGTGCCCGGCGGATCCTG[C>A]AGGCTTGTGGCGGGAACAGCCTGGGTGAGGCCCCAACTTGCCAGGCCCCTAGGCGTGAAA-3'
Protein context (NP_597700.1, residues 130-150): DAKKRARRIL[Gln140Lys]ACGGNSLGSY

ClinVar aggregate classification (germline): Likely benign. Review status: criteria provided, single submitter (1 of 4 stars). 2 submissions from 2 submitters: Likely benign (1). 1 of the submissions does not count toward it. Last evaluated 2025-02-11.

Conditions:
Inborn genetic diseases. Identifiers: MedGen C0950123, MeSH D030342.
GPT2-related disorder. Also called: GPT2-related condition.

Allele frequency attached by ClinVar (database versions not stated): ExAC 0.00016; ESP Exome Variant Server 0.00046; gnomAD 0.00056; TOPMed 0.00056.
gnomAD v4.1: 122 of 1,614,094 alleles (0.0076%); highest among the groups gnomAD compares: African/African-American, 0.16%; 2 homozygotes.

Submissions (2):

Ambry Genetics
Classification: Likely benign for Inborn genetic diseases. Last evaluated: 2025-02-11. Review status: criteria provided, single submitter. Criteria: Ambry Variant Classification Scheme 2023. Collection method: clinical testing. Allele origin: germline.

PreventionGenetics, part of Exact Sciences
Classification: Likely benign for GPT2-related condition. Last evaluated: 2023-02-03. Review status: no assertion criteria provided. Collection method: clinical testing. Allele origin: germline. Not counted in ClinVar's aggregate classification.
Comment: This variant is classified as likely benign based on ACMG/AMP sequence variant interpretation guidelines (Richards et al. 2015 PMID: 25741868, with internal and published modifications).